The following is an entry in ClinVar:

NM_015570.4(AUTS2):c.2718C>A (p.Ala906=)

Gene: AUTS2 (activator of transcription and developmental regulator AUTS2; plus strand). Cytogenetic location: 7q11.22.
Variant type: single nucleotide variant.
Coding change: c.2718C>A on transcript NM_015570.4 (MANE Select); coding-DNA position 2718, C replaced by A.
Protein change: p.Ala906=; no amino-acid change (alanine 906 retained).
Molecular consequence: synonymous variant.
Genome position (GRCh38, 1-based): chr7:70,789,934, C>A. VCF-style: chr7-70789934-C-A. GRCh37 (hg19) VCF-style: chr7-70254920-C-A.
Other names: c.2646C>A, p.Ala882= (NM_001127231.3).
Identifiers: ClinVar variation 3052884 (VCV003052884.2), dbSNP rs745729494, ClinGen allele CA456045021.

ClinVar aggregate classification (germline): Likely benign (0 of 4 stars; one submission).

Conditions:
AUTS2-related disorder. Also called: AUTS2-related condition.

gnomAD v4.1: 1 of 1,613,966 alleles (0.000062%); highest among the groups gnomAD compares: Non-Finnish European, 0.000085%; no homozygotes.

Submission:

PreventionGenetics, part of Exact Sciences
Classification: Likely benign for AUTS2-related condition. Last evaluated: 2022-10-31. Review status: no assertion criteria provided. Collection method: clinical testing. Allele origin: germline.
Comment: This variant is classified as likely benign based on ACMG/AMP sequence variant interpretation guidelines (Richards et al. 2015 PMID: 25741868, with internal and published modifications).